The following is an entry in ClinVar:

ClinVar aggregate classification (germline): Uncertain significance (1 of 4 stars; one submission).

gnomAD v4.1: 6 of 1,608,698 alleles (0.00037%); highest among the groups gnomAD compares: African/African-American, 0.008%; no homozygotes.

Submission:

Labcorp Genetics (formerly Invitae), Labcorp
Classification: Uncertain significance. Last evaluated: 2024-11-19. Review status: criteria provided, single submitter. Criteria: Invitae Variant Classification Sherloc (09022015). Collection method: clinical testing. Allele origin: germline.
Comment: This sequence change replaces asparagine, which is neutral and polar, with lysine, which is basic and polar, at codon 173 of the TNFRSF6B protein (p.Asn173Lys). This variant is not present in population databases (gnomAD no frequency). This variant has not been reported in the literature in individuals affected with TNFRSF6B-related conditions. An algorithm developed to predict the effect of missense changes on protein structure and function (PolyPhen-2) suggests that this variant is likely to be disruptive. In summary, the available evidence is currently insufficient to determine the role of this variant in disease. Therefore, it has been classified as a Variant of Uncertain Significance.

NM_003823.4(TNFRSF6B):c.519C>A (p.Asn173Lys)

Genes: RTEL1-TNFRSF6B (RTEL1-TNFRSF6B readthrough (NMD candidate); plus strand), TNFRSF6B (TNF receptor superfamily member 6b; plus strand). Cytogenetic location: 20q13.33.
Variant type: single nucleotide variant.
Coding change: c.519C>A on transcript NM_003823.4 (MANE Select); coding-DNA position 519, C replaced by A.
Protein change: p.Asn173Lys; replaces asparagine 173 with lysine.
Molecular consequence: missense variant. On other transcripts: non-coding transcript variant (1).
Genome position (GRCh38, 1-based): chr20:63,697,422, C>A. VCF-style: chr20-63697422-C-A. GRCh37 (hg19) VCF-style: chr20-62328775-C-A.
Other names: short protein forms N173K.
Identifiers: ClinVar variation 3621078 (VCV003621078.2).
Genomic context (GRCh38, chr20:63,697,422, plus strand): 5'-CCCCCCAGGCACCTTCTCAGCCAGCAGCTCCAGCTCAGAGCAGTGCCAGCCCCACCGCAA[C>A]TGCACGGCCCTGGGCCTGGCCCTCAATGTGCCAGGCTCTTCCTCCCATGACACCCTGTGC-3'
Protein context (NP_003814.1, residues 163-183): SSSEQCQPHR[Asn173Lys]CTALGLALNV